The following is an entry in ClinVar:

NM_006084.5(IRF9):c.167C>G (p.Ala56Gly)

Gene: IRF9 (interferon regulatory factor 9; plus strand). Cytogenetic location: 14q12.
Variant type: single nucleotide variant.
Coding change: c.167C>G on transcript NM_006084.5 (MANE Select); coding-DNA position 167, C replaced by G.
Protein change: p.Ala56Gly; replaces alanine 56 with glycine.
Molecular consequence: missense variant.
Genome position (GRCh38, 1-based): chr14:24,162,311, C>G. VCF-style: chr14-24162311-C-G. GRCh37 (hg19) VCF-style: chr14-24631520-C-G.
Other names: c.167C>G, p.Ala56Gly (NM_001385400.1, NM_001385401.1, NM_001385402.1); c.167C>G (NM_006084.4); short protein forms A56G.
Identifiers: ClinVar variation 2090439 (VCV002090439.5), dbSNP rs368018498, ClinGen allele CA7126362.

ClinVar aggregate classification (germline): Uncertain significance. Review status: criteria provided, multiple submitters, no conflicts (2 of 4 stars). 2 submissions from 2 submitters: Uncertain significance (2). Last evaluated 2025-12-16.

Allele frequency attached by ClinVar (database versions not stated): ExAC 0.00002; ESP Exome Variant Server 0.00008.
gnomAD v4.1: 35 of 1,613,568 alleles (0.0022%); highest among the groups gnomAD compares: Non-Finnish European, 0.0029%; no homozygotes.

Submissions (2):

Ambry Genetics
Classification: Uncertain significance. Last evaluated: 2025-12-16. Review status: criteria provided, single submitter. Criteria: Ambry Variant Classification Scheme 2023. Collection method: clinical testing. Allele origin: germline.

Labcorp Genetics (formerly Invitae), Labcorp
Classification: Uncertain significance. Last evaluated: 2025-12-01. Review status: criteria provided, single submitter. Criteria: Invitae Variant Classification Sherloc (09022015). Collection method: clinical testing. Allele origin: germline.
Comment: This sequence change replaces alanine, which is neutral and non-polar, with glycine, which is neutral and non-polar, at codon 56 of the IRF9 protein (p.Ala56Gly). This variant is present in population databases (rs368018498, gnomAD 0.004%). This variant has not been reported in the literature in individuals affected with IRF9-related conditions. ClinVar contains an entry for this variant (Variation ID: 2090439). An algorithm developed to predict the effect of missense changes on protein structure and function (PolyPhen-2) suggests that this variant is likely to be disruptive. In summary, the available evidence is currently insufficient to determine the role of this variant in disease. Therefore, it has been classified as a Variant of Uncertain Significance.